The following is an entry in ClinVar:

ClinVar aggregate classification (germline): Uncertain significance (1 of 4 stars; one submission).

Conditions:
Dyskeratosis congenita, autosomal dominant 2. Identifiers: MedGen C3151443, MONDO:0013521, OMIM 613989.
Idiopathic Pulmonary Fibrosis. Also called: Idiopathic fibrosing alveolitis, chronic form; idiopathic fibrosing alveolitis. Identifiers: Orphanet 2032, MedGen C1800706, MeSH D054990, MONDO:0800504.

Submission:

Labcorp Genetics (formerly Invitae), Labcorp
Classification: Uncertain significance for Dyskeratosis congenita, autosomal dominant 2; Idiopathic Pulmonary Fibrosis. Last evaluated: 2024-10-29. Review status: criteria provided, single submitter. Criteria: Invitae Variant Classification Sherloc (09022015). Collection method: clinical testing. Allele origin: germline.
Comment: This sequence change replaces tryptophan, which is neutral and slightly polar, with serine, which is neutral and polar, at codon 547 of the TERT protein (p.Trp547Ser). This variant is not present in population databases (gnomAD no frequency). This variant has not been reported in the literature in individuals affected with TERT-related conditions. Invitae Evidence Modeling of protein sequence and biophysical properties (such as structural, functional, and spatial information, amino acid conservation, physicochemical variation, residue mobility, and thermodynamic stability) indicates that this missense variant is expected to disrupt TERT protein function with a positive predictive value of 95%. In summary, the available evidence is currently insufficient to determine the role of this variant in disease. Therefore, it has been classified as a Variant of Uncertain Significance.

NM_198253.3(TERT):c.1640G>C (p.Trp547Ser)

Gene: TERT (telomerase reverse transcriptase; minus strand). Cytogenetic location: 5p15.33.
Variant type: single nucleotide variant.
Coding change: c.1640G>C on transcript NM_198253.3 (MANE Select); coding-DNA position 1640, G replaced by C.
Protein change: p.Trp547Ser; replaces tryptophan 547 with serine.
Molecular consequence: missense variant. On other transcripts: non-coding transcript variant (2).
Genome position (GRCh38, 1-based): chr5:1,282,558, C>G on the plus strand (G>C on the coding strand, the complement: TERT is on the minus strand). VCF-style: chr5-1282558-C-G. GRCh37 (hg19) VCF-style: chr5-1282673-C-G.
Other names: c.1640G>C, p.Trp547Ser (NM_001193376.3); short protein forms W547S.
Identifiers: ClinVar variation 3759139 (VCV003759139.2).